The following is an entry in ClinVar:

NM_001363.5(DKC1):c.332G>A (p.Arg111Gln)

Gene: DKC1 (dyskerin pseudouridine synthase 1; plus strand). Cytogenetic location: Xq28.
Variant type: single nucleotide variant.
Coding change: c.332G>A on transcript NM_001363.5 (MANE Select); coding-DNA position 332, G replaced by A.
Protein change: p.Arg111Gln; replaces arginine 111 with glutamine.
Molecular consequence: missense variant. On other transcripts: non-coding transcript variant (3).
Genome position (GRCh38, 1-based): chrX:154,766,284, G>A. VCF-style: chrX-154766284-G-A. GRCh37 (hg19) VCF-style: chrX-153994559-G-A.
Other names: c.332G>A, p.Arg111Gln (NM_001142463.3, NM_001288747.2); short protein forms R111Q.
Identifiers: ClinVar variation 1052837 (VCV001052837.7), dbSNP rs1036880108, ClinGen allele CA337308537.

ClinVar aggregate classification (germline): Uncertain significance (1 of 4 stars; one submission).

Conditions:
Dyskeratosis congenita. Identifiers: Orphanet 1775, MedGen C0265965, MONDO:0015780.

Allele frequency attached by ClinVar (database versions not stated): gnomAD exomes below 0.00001; TOPMed below 0.00001.
gnomAD v4.1: 2 of 1,209,400 alleles (0.00017%); highest among the groups gnomAD compares: Admixed American, 0.0022%; no homozygotes.

Submission:

Labcorp Genetics (formerly Invitae), Labcorp
Classification: Uncertain significance for Dyskeratosis congenita. Last evaluated: 2025-12-08. Review status: criteria provided, single submitter. Criteria: Invitae Variant Classification Sherloc (09022015). Collection method: clinical testing. Allele origin: germline.
Comment: This sequence change replaces arginine, which is basic and polar, with glutamine, which is neutral and polar, at codon 111 of the DKC1 protein (p.Arg111Gln). This variant is not present in population databases (gnomAD no frequency). This variant has not been reported in the literature in individuals affected with DKC1-related conditions. ClinVar contains an entry for this variant (Variation ID: 1052837). Invitae Evidence Modeling of protein sequence and biophysical properties (such as structural, functional, and spatial information, amino acid conservation, physicochemical variation, residue mobility, and thermodynamic stability) indicates that this missense variant is not expected to disrupt DKC1 protein function with a negative predictive value of 80%. In summary, the available evidence is currently insufficient to determine the role of this variant in disease. Therefore, it has been classified as a Variant of Uncertain Significance.